The following is an entry in ClinVar:

ClinVar aggregate classification (germline): Conflicting classifications of pathogenicity. Review status: criteria provided, conflicting classifications (1 of 4 stars). 4 submissions from 4 submitters: Likely pathogenic (2); Uncertain significance (2). Last evaluated 2025-06-24.

Conditions:
Hereditary cancer-predisposing syndrome. Also called: Tumor predisposition; Hereditary Cancer Syndrome; Hereditary neoplastic syndrome; Neoplastic Syndromes, Hereditary. Identifiers: Orphanet 140162, MedGen C0027672, MeSH D009386, MONDO:0015356.
Hereditary breast ovarian cancer syndrome. Also called: Breast and ovarian cancer; Hereditary breast and/or ovarian cancer syndrome; BRCA1- and BRCA2-Associated Hereditary Breast and Ovarian Cancer; Hereditary breast and ovarian cancer syndrome; Hereditary breast and ovarian cancer syndrome (HBOC); Hereditary breast and ovarian cancer. Identifiers: Orphanet 145, MedGen C0677776, MeSH D061325, MONDO:0003582. Disease mechanism: loss of function.
Breast-ovarian cancer, familial, susceptibility to, 1 (BROVCA1). Also called: BRCA1 Hereditary Breast and Ovarian Cancer; OVARIAN CANCER, SUSCEPTIBILITY TO. Identifiers: Orphanet 145, MedGen C2676676, MONDO:0011450, OMIM 604370. Disease mechanism: loss of function.

Allele frequency attached by ClinVar (database versions not stated): gnomAD exomes below 0.00001; TOPMed below 0.00001; gnomAD 0.00001.
gnomAD v4.1: 1 of 1,613,942 alleles (0.000062%); highest among the groups gnomAD compares: African/African-American, 0.0013%; no homozygotes.

Submissions (4):

Ambry Genetics
Classification: Uncertain significance for Hereditary cancer-predisposing syndrome. Last evaluated: 2025-06-24. Review status: criteria provided, single submitter. Criteria: Ambry Variant Classification Scheme 2023. Collection method: clinical testing. Allele origin: germline.
Comment: The c.4674A>G variant (also known as p.L1558L), located in coding exon 13 of the BRCA1 gene, results from an A to G substitution at nucleotide position 4674. This nucleotide substitution does not change the leucine at codon 1558. Of note, this alteration is also known as 4793A>G in some of the published literature. This nucleotide position is well conserved in available vertebrate species. In silico splice site analysis predicts that this alteration will result in the creation or strengthening of a novel splice donor site. RNA studies have demonstrated this variant results in an incomplete splicing impact (Ambry internal data; Baert A et al. Hum. Mutat., 2018 04;39:515-526). Since supporting evidence is limited at this time, the clinical significance of this alteration remains unclear.

Labcorp Genetics (formerly Invitae), Labcorp
Classification: Likely pathogenic for Hereditary breast ovarian cancer syndrome. Last evaluated: 2025-05-13. Review status: criteria provided, single submitter. Criteria: Invitae Variant Classification Sherloc (09022015). Collection method: clinical testing. Allele origin: germline.
Comment: This sequence change affects codon 1558 of the BRCA1 mRNA. It is a 'silent' change, meaning that it does not change the encoded amino acid sequence of the BRCA1 protein. RNA analysis indicates that this variant induces altered splicing and may result in an absent or altered protein product. This variant is not present in population databases (gnomAD no frequency). This variant has not been reported in the literature in individuals affected with BRCA1-related conditions. ClinVar contains an entry for this variant (Variation ID: 479230). Studies have shown that this variant results in activation of a cryptic splice site, and produces a non-functional protein and/or introduces a premature termination codon (PMID: 29280214; internal data). In summary, the currently available evidence indicates that the variant is pathogenic, but additional data are needed to prove that conclusively. Therefore, this variant has been classified as Likely Pathogenic.

Baylor Genetics
Classification: Likely pathogenic for Breast-ovarian cancer, familial, susceptibility to, 1. Last evaluated: 2024-03-22. Review status: criteria provided, single submitter. Criteria: ACMG Guidelines, 2015. Collection method: clinical testing. Allele origin: unknown.

Color Diagnostics, LLC DBA Color Health
Classification: Uncertain significance for Hereditary cancer-predisposing syndrome. Last evaluated: 2019-04-23. Review status: criteria provided, single submitter. Criteria: ACMG Guidelines, 2015. Collection method: clinical testing. Allele origin: germline.

Literature cited by the submitters: PubMed 15733268 (cited by Ambry Genetics); PubMed 26300996 (cited by Ambry Genetics); PubMed 29280214 (cited by Ambry Genetics and Labcorp Genetics (formerly Invitae), Labcorp); PubMed 31409081 (cited by Ambry Genetics); PubMed 35116780 (cited by Ambry Genetics).

NM_007294.4(BRCA1):c.4674A>G (p.Leu1558=)

Gene: BRCA1 (BRCA1 DNA repair associated; minus strand). Cytogenetic location: 17q21.31.
Variant type: single nucleotide variant.
Coding change: c.4674A>G on transcript NM_007294.4 (MANE Select); coding-DNA position 4674, A replaced by G.
Protein change: p.Leu1558=; no amino-acid change (leucine 1558 retained).
Molecular consequence: synonymous variant. On other transcripts: intron variant (3).
Genome position (GRCh38, 1-based): chr17:43,074,332, T>C on the plus strand (A>G on the coding strand, the complement: BRCA1 is on the minus strand). VCF-style: chr17-43074332-T-C. GRCh37 (hg19) VCF-style: chr17-41226349-T-C.
Other names: c.4530A>G, p.Leu1510= (NM_001407742.1, NM_001407743.1, NM_001407744.1 and 21 more transcripts); c.4527A>G, p.Leu1509= (NM_001407838.1, NM_001407839.1, NM_001407841.1 and 12 more transcripts); c.4674A>G, p.Leu1558= (NM_001407854.1, NM_001407593.1, NM_001407594.1 and 8 more transcripts); c.4671A>G, p.Leu1557= (NM_001407858.1, NM_001407859.1, NM_001407860.1 and 17 more transcripts); c.4668A>G, p.Leu1556= (NM_001407861.1, NM_001407627.1, NM_001407628.1 and 14 more transcripts); c.4473A>G, p.Leu1491= (NM_001407862.1); c.4548A>G, p.Leu1516= (NM_001407863.1, NM_001407939.1, NM_001407940.1 and 11 more transcripts); c.4467A>G, p.Leu1489= (NM_001407874.1, NM_001407875.1); and 71 more.
Identifiers: ClinVar variation 479230 (VCV000479230.21), dbSNP rs996042036, ClinGen allele CA290831878.